The following is an entry in ClinVar:

ClinVar aggregate classification (germline): Likely benign (1 of 4 stars; one submission).

Submission:

CeGaT Center for Human Genetics Tuebingen
Classification: Likely benign. Last evaluated: 2026-05-01. Review status: criteria provided, single submitter. Criteria: CeGaT Center For Human Genetics Tuebingen Variant Classification Criteria Version 2. Collection method: clinical testing. Allele origin: germline. Affected: yes. Observed: 8 variant alleles.
Comment: HGFAC: BS2

NM_001528.4(HGFAC):c.480_495del (p.Leu161fs)

Gene: HGFAC (HGF activator; plus strand). Cytogenetic location: 4p16.3.
Variant type: Deletion.
Coding change: c.480_495del on transcript NM_001528.4 (MANE Select); coding-DNA positions 480 to 495, 16 bases deleted (CCTGGATCCCTGTGCC).
Protein change: p.Leu161fs; shifts the reading frame from leucine 161.
Molecular consequence: frameshift variant.
Genome position (GRCh38, 1-based): chr4:3,444,043-3,444,058, CCTGGATCCCTGTGCC deleted; deleting any 16 consecutive bases within chr4:3,444,042-3,444,058 gives the same sequence; the c. name uses the placement nearest the transcript's 3' end. VCF-style (leftmost placement, unchanged base first): chr4-3444041-GCCCTGGATCCCTGTGC-G. GRCh37 (hg19) VCF-style: chr4-3445768-GCCCTGGATCCCTGTGC-G.
Other names: c.480_495del, p.Leu161fs (NM_001297439.2); short protein forms L161fs.
Identifiers: ClinVar variation 2654603 (VCV002654603.24), dbSNP rs562047823, ClinGen allele CA2828048.